The following is an entry in ClinVar:

ClinVar aggregate classification (germline): Uncertain significance. Review status: criteria provided, multiple submitters, no conflicts (2 of 4 stars). 2 submissions from 2 submitters: Uncertain significance (2). Last evaluated 2024-06-03.

Conditions:
DiGeorge syndrome. Also called: Catch22; THIRD AND FOURTH PHARYNGEAL POUCH SYNDROME. Identifiers: Orphanet 567, MedGen C0012236, MONDO:0008564, OMIM 188400.

Allele frequency attached by ClinVar (database versions not stated): TOPMed below 0.00001.

Submissions (2):

Labcorp Genetics (formerly Invitae), Labcorp
Classification: Uncertain significance for DiGeorge syndrome. Last evaluated: 2024-06-03. Review status: criteria provided, single submitter. Criteria: Invitae Variant Classification Sherloc (09022015). Collection method: clinical testing. Allele origin: germline.
Comment: This sequence change replaces methionine, which is neutral and non-polar, with leucine, which is neutral and non-polar, at codon 478 of the TBX1 protein (p.Met478Leu). This variant is not present in population databases (gnomAD no frequency). This variant has not been reported in the literature in individuals affected with TBX1-related conditions. ClinVar contains an entry for this variant (Variation ID: 1679634). An algorithm developed to predict the effect of missense changes on protein structure and function (PolyPhen-2) suggests that this variant is likely to be tolerated. In summary, the available evidence is currently insufficient to determine the role of this variant in disease. Therefore, it has been classified as a Variant of Uncertain Significance.

New York Genome Center
Classification: Uncertain significance for DiGeorge syndrome. Last evaluated: 2021-06-11. Review status: criteria provided, single submitter. Criteria: NYGC Assertion Criteria 2020. Collection method: clinical testing. Allele origin: inherited. Observed: 1 heterozygote. Study: CSER-NYCKidSeq.

NM_001379200.1(TBX1):c.1459A>T (p.Met487Leu)

Gene: TBX1 (T-box transcription factor 1; plus strand). Cytogenetic location: 22q11.21.
Variant type: single nucleotide variant.
Coding change: c.1459A>T on transcript NM_001379200.1 (MANE Select); coding-DNA position 1459, A replaced by T.
Protein change: p.Met487Leu; replaces methionine 487 with leucine.
Molecular consequence: missense variant. On other transcripts: intron variant (2).
Genome position (GRCh38, 1-based): chr22:19,766,811, A>T. VCF-style: chr22-19766811-A-T. GRCh37 (hg19) VCF-style: chr22-19754334-A-T.
Other names: c.1432A>T, p.Met478Leu (NM_080647.1); c.1009+809A>T (NM_005992.1, NM_080646.2); short protein forms M478L, M487L.
Identifiers: ClinVar variation 1679634 (VCV001679634.3), dbSNP rs1936874664, ClinGen allele CA410685610.